The following is an entry in ClinVar:

ClinVar aggregate classification (germline): Uncertain significance (1 of 4 stars; one submission).

Conditions:
Autosomal recessive limb-girdle muscular dystrophy type 2O. Also called: Limb-Girdle Muscular Dystrophy Type 3C; MUSCULAR DYSTROPHY-DYSTROGLYCANOPATHY (LIMB-GIRDLE), TYPE C, 3; MUSCULAR DYSTROPHY-DYSTROGLYCANOPATHY, LIMB-GIRDLE, POMGNT1-RELATED. Identifiers: Orphanet 206564, MedGen C3150417, MONDO:0013161, OMIM 613157.
Muscular dystrophy-dystroglycanopathy (congenital with impaired intellectual development), type B, 3. Also called: Muscular dystrophy-dystroglycanopathy (congenital with intellectual disability), type B3; MUSCULAR DYSTROPHY, CONGENITAL, POMGNT1-RELATED. Identifiers: MedGen C3150412, MONDO:0013155, OMIM 613151.

Allele frequency attached by ClinVar (database versions not stated): gnomAD exomes 0.00001.
gnomAD v4.1: 4 of 1,614,142 alleles (0.00025%); highest among the groups gnomAD compares: East Asian, 0.0067%; no homozygotes.

Submission:

Labcorp Genetics (formerly Invitae), Labcorp
Classification: Uncertain significance for Autosomal recessive limb-girdle muscular dystrophy type 2O; Muscular dystrophy-dystroglycanopathy (congenital with impaired intellectual development), type B, 3. Last evaluated: 2022-03-18. Review status: criteria provided, single submitter. Criteria: Invitae Variant Classification Sherloc (09022015). Collection method: clinical testing. Allele origin: germline.
Comment: This sequence change replaces phenylalanine, which is neutral and non-polar, with serine, which is neutral and polar, at codon 46 of the POMGNT1 protein (p.Phe46Ser). This variant is present in population databases (no rsID available, gnomAD 0.01%). This variant has not been reported in the literature in individuals affected with POMGNT1-related conditions. Advanced modeling of protein sequence and biophysical properties (such as structural, functional, and spatial information, amino acid conservation, physicochemical variation, residue mobility, and thermodynamic stability) performed at Invitae indicates that this missense variant is not expected to disrupt POMGNT1 protein function. In summary, the available evidence is currently insufficient to determine the role of this variant in disease. Therefore, it has been classified as a Variant of Uncertain Significance.

NM_017739.4(POMGNT1):c.137T>C (p.Phe46Ser)

Gene: POMGNT1 (protein O-linked mannose N-acetylglucosaminyltransferase 1 (beta 1,2-); minus strand). Cytogenetic location: 1p34.1.
Variant type: single nucleotide variant.
Coding change: c.137T>C on transcript NM_017739.4 (MANE Select); coding-DNA position 137, T replaced by C.
Protein change: p.Phe46Ser; replaces phenylalanine 46 with serine.
Molecular consequence: missense variant. On other transcripts: 5 prime UTR variant (1).
Genome position (GRCh38, 1-based): chr1:46,197,068, A>G on the plus strand (T>C on the coding strand, the complement: POMGNT1 is on the minus strand). VCF-style: chr1-46197068-A-G. GRCh37 (hg19) VCF-style: chr1-46662740-A-G.
Other names: c.71T>C, p.Phe24Ser (NM_001290129.3); c.-293T>C (NM_001290130.2); c.137T>C, p.Phe46Ser (NM_001410783.1, NM_001243766.2); short protein forms F46S, F24S.
Identifiers: ClinVar variation 1439114 (VCV001439114.3), dbSNP rs1314508009, ClinGen allele CA340192330.
Genomic context (GRCh38, chr1:46,197,068, plus strand): 5'-CTGATGGCTCGCCGAGTGTCCAGGATCAACTTGATATTGACAATGACAGTCACCAGCAGG[A>G]AAAGCACGGCCCCTGTCTGAGGGGAGGGGTAGGGATGATTAAGAGGAGCACCTCCTTCAG-3'
Protein context (NP_060209.4, residues 36-56): RRFCQTGAVL[Phe46Ser]LLVTVIVNIK